The following is an entry in ClinVar:

ClinVar aggregate classification (germline): Likely pathogenic (1 of 4 stars; one submission).

Conditions:
Sandhoff disease. Also called: GM2-GANGLIOSIDOSIS, TYPE II; HEXOSAMINIDASES A AND B DEFICIENCY; Beta-hexosaminidase-beta-subunit deficiency; GM2 gangliosidosis, type 2; Total hexosaminidase deficiency; Sandhoff-Jatzkewitz-Pilz disease. Identifiers: Orphanet 796, MedGen C0036161, MONDO:0010006, OMIM 268800.

Submission:

Natera, Inc.
Classification: Likely pathogenic for Sandhoff disease. Last evaluated: 2024-09-25. Review status: criteria provided, single submitter. Criteria: Natera Variant Classification Schema (03/2026). Collection method: clinical testing. Allele origin: germline.
Comment: The c.512-2A>C variant in HEXB is a canonical splice acceptor site variant predicted to affect pre-mRNA splicing, which may result in an abnormal transcript and altered protein product. This variant is expected to result in nonsense mediated decay, truncation, or a dysfunctional protein product. This variant is rare in the general population with a frequency below the threshold expected for the associated phenotype(s). Given the available evidence, this variant is classified as Likely Pathogenic.

NM_000521.4(HEXB):c.512-2A>C

Gene: HEXB (hexosaminidase subunit beta; plus strand). Cytogenetic location: 5q13.3.
Variant type: single nucleotide variant.
Coding change: c.512-2A>C on transcript NM_000521.4 (MANE Select); the canonical splice acceptor site of the intron before coding-DNA position 512, A replaced by C.
Molecular consequence: splice acceptor variant.
Genome position (GRCh38, 1-based): chr5:74,696,691, A>C. VCF-style: chr5-74696691-A-C. GRCh37 (hg19) VCF-style: chr5-73992516-A-C.
Other names: c.-164-2A>C (NM_001292004.2).
Identifiers: ClinVar variation 4814291 (VCV004814291.1).